The following is an entry in ClinVar:

NM_004960.4(FUS):c.523+6A>G

Gene: FUS (FUS RNA binding protein; plus strand). Cytogenetic location: 16p11.2.
Variant type: single nucleotide variant.
Coding change: c.523+6A>G on transcript NM_004960.4 (MANE Select); 6 bases into the intron after coding-DNA position 523, A replaced by G.
Molecular consequence: intron variant.
Genome position (GRCh38, 1-based): chr16:31,184,402, A>G. VCF-style: chr16-31184402-A-G. GRCh37 (hg19) VCF-style: chr16-31195723-A-G.
Other names: c.511+18A>G (NM_001170937.1); c.520+6A>G (NM_001170634.1).
Identifiers: ClinVar variation 3763092 (VCV003763092.2).

ClinVar aggregate classification (germline): Uncertain significance (1 of 4 stars; one submission).

Conditions:
Tremor, hereditary essential, 4 (ETM4). Identifiers: MedGen C3539195, MONDO:0013888, OMIM 614782.
Amyotrophic lateral sclerosis type 6. Also called: FUS-Related Amyotrophic Laterial Sclerosis; Amyotrophic lateral sclerosis 6, with or without frontotemporal dementia; AMYOTROPHIC LATERAL SCLEROSIS 6 WITHOUT FRONTOTEMPORAL DEMENTIA. Identifiers: Orphanet 275872, Orphanet 803, MedGen C2931786, MONDO:0011951, OMIM 608030.

gnomAD v4.1: 4 of 1,554,066 alleles (0.00026%); highest among the groups gnomAD compares: Non-Finnish European, 0.00035%; no homozygotes.

Submission:

Labcorp Genetics (formerly Invitae), Labcorp
Classification: Uncertain significance for Tremor, hereditary essential, 4; Amyotrophic lateral sclerosis type 6. Last evaluated: 2024-06-29. Review status: criteria provided, single submitter. Criteria: Invitae Variant Classification Sherloc (09022015). Collection method: clinical testing. Allele origin: germline.
Comment: This sequence change falls in intron 5 of the FUS gene. It does not directly change the encoded amino acid sequence of the FUS protein. It affects a nucleotide within the consensus splice site. This variant is present in population databases (no rsID available, gnomAD 0.0009%). This variant has not been reported in the literature in individuals affected with FUS-related conditions. Variants that disrupt the consensus splice site are a relatively common cause of aberrant splicing (PMID: 17576681, 9536098). Algorithms developed to predict the effect of sequence changes on RNA splicing suggest that this variant is not likely to affect RNA splicing. In summary, the available evidence is currently insufficient to determine the role of this variant in disease. Therefore, it has been classified as a Variant of Uncertain Significance.

Literature cited by the submitters: PubMed 17576681; PubMed 9536098.